The following is an entry in ClinVar:

NM_144573.4(NEXN):c.1251+1del

Gene: NEXN (nexilin F-actin binding protein; plus strand). Cytogenetic location: 1p31.1.
Variant type: Deletion.
Coding change: c.1251+1del on transcript NM_144573.4 (MANE Select); the canonical splice donor site of the intron after coding-DNA position 1251, one base deleted (G; older notation c.1251+1delG).
Molecular consequence: splice donor variant.
Genome position (GRCh38, 1-based): chr1:77,933,480, G deleted; the last of 2 consecutive G bases (chr1:77,933,479-77,933,480); deleting either gives the same sequence. VCF-style (leftmost placement, unchanged base first): chr1-77933478-AG-A. GRCh37 (hg19) VCF-style: chr1-78399163-AG-A.
Other names: c.1059+1del (NM_001172309.2).
Identifiers: ClinVar variation 1461682 (VCV001461682.9), dbSNP rs2102147202, ClinGen allele CA2573131973.
Genomic context (GRCh38, chr1:77,933,478, plus strand): 5'-GGAAGCATAAGCTAGAAATGGAGAAACAAGAATTTGAACAACTGAGACAGGAAATGGGAG[AG>A]GTAAGATTTTAAGAAATATCTATATTCCCCATATTTATTAAGCTAAATATTTTACTTATA-3'

ClinVar aggregate classification (germline): Likely pathogenic. Review status: criteria provided, multiple submitters, no conflicts (2 of 4 stars). 2 submissions from 2 submitters: Likely pathogenic (2). Last evaluated 2022-09-19.

Conditions:
Dilated cardiomyopathy 1CC (CMD1CC). Identifiers: Orphanet 154, MedGen C2751084, MONDO:0013147, OMIM 613122.
Hypertrophic cardiomyopathy 20. Identifiers: MedGen C3151267, MONDO:0013477, OMIM 613876.

Submissions (2):

Labcorp Genetics (formerly Invitae), Labcorp
Classification: Likely pathogenic for Dilated cardiomyopathy 1CC; Hypertrophic cardiomyopathy 20. Last evaluated: 2022-09-19. Review status: criteria provided, single submitter. Criteria: Invitae Variant Classification Sherloc (09022015). Collection method: clinical testing. Allele origin: germline.
Comment: This variant is not present in population databases (gnomAD no frequency). In summary, the currently available evidence indicates that the variant is pathogenic, but additional data are needed to prove that conclusively. Therefore, this variant has been classified as Likely Pathogenic. Algorithms developed to predict the effect of sequence changes on RNA splicing suggest that this variant may disrupt the consensus splice site. ClinVar contains an entry for this variant (Variation ID: 1461682). This variant has not been reported in the literature in individuals affected with NEXN-related conditions. This sequence change affects a splice site in intron 10 of the NEXN gene. It is expected to disrupt RNA splicing. Variants that disrupt the donor or acceptor splice site typically lead to a loss of protein function (PMID: 16199547), and loss-of-function variants in NEXN are known to be pathogenic (PMID: 32058062, 32814711, 32870709, 33949776).

AiLife Diagnostics
Classification: Likely pathogenic. Last evaluated: 2021-05-26. Review status: criteria provided, single submitter. Criteria: ACMG Guidelines, 2015. Collection method: clinical testing. Allele origin: germline. Affected: yes. Observed: 1 variant allele.

Literature cited by the submitters: PubMed 16199547 (cited by Labcorp Genetics (formerly Invitae), Labcorp); PubMed 32058062 (cited by Labcorp Genetics (formerly Invitae), Labcorp); PubMed 32814711 (cited by Labcorp Genetics (formerly Invitae), Labcorp); PubMed 32870709 (cited by Labcorp Genetics (formerly Invitae), Labcorp); PubMed 33949776 (cited by Labcorp Genetics (formerly Invitae), Labcorp).